The following is an entry in ClinVar:

ClinVar aggregate classification (germline): Likely benign (1 of 4 stars; one submission).

gnomAD v4.1: 69 of 1,614,188 alleles (0.0043%); highest among the groups gnomAD compares: Middle Eastern, 0.18%; 1 homozygote.

Submission:

CeGaT Center for Human Genetics Tuebingen
Classification: Likely benign. Last evaluated: 2025-11-01. Review status: criteria provided, single submitter. Criteria: CeGaT Center For Human Genetics Tuebingen Variant Classification Criteria Version 2. Collection method: clinical testing. Allele origin: germline. Affected: yes. Observed: 2 variant alleles.
Comment: SRRM2: BP4

NM_016333.4(SRRM2):c.4046C>A (p.Ser1349Tyr)

Gene: SRRM2 (serine/arginine repetitive matrix 2; plus strand). Cytogenetic location: 16p13.3.
Variant type: single nucleotide variant.
Coding change: c.4046C>A on transcript NM_016333.4 (MANE Select); coding-DNA position 4046, C replaced by A.
Protein change: p.Ser1349Tyr; replaces serine 1349 with tyrosine.
Molecular consequence: missense variant.
Genome position (GRCh38, 1-based): chr16:2,764,574, C>A. VCF-style: chr16-2764574-C-A. GRCh37 (hg19) VCF-style: chr16-2814575-C-A.
Other names: short protein forms S1349Y.
Identifiers: ClinVar variation 2646073 (VCV002646073.24), dbSNP rs145200443, ClinGen allele CA7848069.